The following is an entry in ClinVar:

ClinVar aggregate classification (germline): Uncertain significance (1 of 4 stars; one submission).

Submission:

GeneDx
Classification: Uncertain significance. Last evaluated: 2024-03-13. Review status: criteria provided, single submitter. Criteria: GeneDx Variant Classification Process June 2021. Collection method: clinical testing. Allele origin: germline. Affected: yes.
Comment: Not observed at significant frequency in large population cohorts (gnomAD); Canonical splice site variant in a gene or region of a gene for which loss of function is not a well-established mechanism of disease; Has not been previously published as pathogenic or benign to our knowledge

NM_000095.3(COMP):c.1490-1G>A

Gene: COMP (cartilage oligomeric matrix protein; minus strand). Cytogenetic location: 19p13.11.
Variant type: single nucleotide variant.
Coding change: c.1490-1G>A on transcript NM_000095.3 (MANE Select); the canonical splice acceptor site of the intron before coding-DNA position 1490, G replaced by A.
Molecular consequence: splice acceptor variant.
Genome position (GRCh38, 1-based): chr19:18,785,852, C>T on the plus strand (G>A on the coding strand, the complement: COMP is on the minus strand). VCF-style: chr19-18785852-C-T. GRCh37 (hg19) VCF-style: chr19-18896662-C-T.
Identifiers: ClinVar variation 3370748 (VCV003370748.1).